The following is an entry in ClinVar:

ClinVar aggregate classification (germline): Uncertain significance (1 of 4 stars; one submission).

Conditions:
Peroxisome biogenesis disorder. Identifiers: Orphanet 79189, MedGen C1832200, MONDO:0019234. Disease mechanism: loss of function.

Submission:

Labcorp Genetics (formerly Invitae), Labcorp
Classification: Uncertain significance for Peroxisome biogenesis disorder. Last evaluated: 2025-02-25. Review status: criteria provided, single submitter. Criteria: Invitae Variant Classification Sherloc (09022015). Collection method: clinical testing. Allele origin: germline.
Comment: This sequence change replaces arginine, which is basic and polar, with cysteine, which is neutral and slightly polar, at codon 78 of the PEX6 protein (p.Arg78Cys). The frequency data for this variant in the population databases is considered unreliable, as metrics indicate poor data quality at this position in the gnomAD database. This variant has not been reported in the literature in individuals affected with PEX6-related conditions. An algorithm developed to predict the effect of missense changes on protein structure and function (PolyPhen-2) suggests that this variant is likely to be tolerated. In summary, the available evidence is currently insufficient to determine the role of this variant in disease. Therefore, it has been classified as a Variant of Uncertain Significance.

NM_000287.4(PEX6):c.232C>T (p.Arg78Cys)

Gene: PEX6 (peroxisomal biogenesis factor 6; minus strand). Cytogenetic location: 6p21.1.
Variant type: single nucleotide variant.
Coding change: c.232C>T on transcript NM_000287.4 (MANE Select); coding-DNA position 232, C replaced by T.
Protein change: p.Arg78Cys; replaces arginine 78 with cysteine.
Molecular consequence: missense variant. On other transcripts: non-coding transcript variant (1).
Genome position (GRCh38, 1-based): chr6:42,978,919, G>A on the plus strand (C>T on the coding strand, the complement: PEX6 is on the minus strand). VCF-style: chr6-42978919-G-A. GRCh37 (hg19) VCF-style: chr6-42946657-G-A.
Other names: c.232C>T, p.Arg78Cys (NM_001316313.2); short protein forms R78C.
Identifiers: ClinVar variation 4811496 (VCV004811496.1).